The following is an entry in ClinVar:

ClinVar aggregate classification (germline): Uncertain significance. Review status: criteria provided, multiple submitters, no conflicts (2 of 4 stars). 2 submissions from 2 submitters: Uncertain significance (2). Last evaluated 2018-09-20.

Conditions:
Charcot-Marie-Tooth Neuropathy X. Identifiers: MedGen CN118851.

Submissions (2):

Labcorp Genetics (formerly Invitae), Labcorp
Classification: Uncertain significance for Charcot-Marie-Tooth Neuropathy X. Last evaluated: 2018-09-20. Review status: criteria provided, single submitter. Criteria: Invitae Variant Classification Sherloc (09022015). Collection method: clinical testing. Allele origin: germline.
Comment: In summary, the available evidence is currently insufficient to determine the role of this variant in disease. Therefore, it has been classified as a Variant of Uncertain Significance. This variant disrupts the p.Thr18 amino acid residue in GJB1. Another variant that disrupts this residue have been observed in affected individuals (Invitae), suggesting that it is a clinically significant residue. As a result, variants that disrupt this residue are likely to be causative of disease. This sequence change replaces threonine with alanine at codon 18 of the GJB1 protein (p.Thr18Ala). The threonine residue is highly conserved and there is a small physicochemical difference between threonine and alanine. This variant is not present in population databases (ExAC no frequency). This variant has not been reported in the literature in individuals with GJB1-related disease. ClinVar contains an entry for this variant (Variation ID: 439756). Algorithms developed to predict the effect of missense changes on protein structure and function are either unavailable or do not agree on the potential impact of this missense change (SIFT: "Deleterious"; PolyPhen-2: "Probably Damaging"; Align-GVGD: "Class C0").

ARUP Laboratories, Molecular Genetics and Genomics, ARUP Laboratories
Classification: Uncertain significance. Last evaluated: 2016-12-16. Review status: criteria provided, single submitter. Criteria: ARUP Molecular Germline Variant Investigation Process. Collection method: clinical testing. Allele origin: germline.

NM_000166.6(GJB1):c.52A>G (p.Thr18Ala)

Gene: GJB1 (gap junction protein beta 1; plus strand). Cytogenetic location: Xq13.1.
Variant type: single nucleotide variant.
Coding change: c.52A>G on transcript NM_000166.6 (MANE Select); coding-DNA position 52, A replaced by G.
Protein change: p.Thr18Ala; replaces threonine 18 with alanine.
Molecular consequence: missense variant.
Genome position (GRCh38, 1-based): chrX:71,223,759, A>G. VCF-style: chrX-71223759-A-G. GRCh37 (hg19) VCF-style: chrX-70443609-A-G.
Other names: c.52A>G, p.Thr18Ala (NM_001097642.3); short protein forms T18A.
Identifiers: ClinVar variation 439756 (VCV000439756.16), dbSNP rs1555937012, ClinGen allele CA413500626.